The following continues an entry in ClinVar:

NM_000059.4(BRCA2):c.755_758del (p.Asp252fs)

Gene: BRCA2. ClinVar aggregate classification (germline): Pathogenic. Pathogenic (1).

Submissions 22 to 32 of 32:

Women's Health and Genetics/Laboratory Corporation of America, LabCorp
Classification: Pathogenic for Hereditary breast ovarian cancer syndrome. Last evaluated: 2016-07-15. Review status: criteria provided, single submitter. Criteria: LabCorp Variant Classification Summary - May 2015. Collection method: clinical testing. Allele origin: germline. Not counted in ClinVar's aggregate classification.
Comment: Variant summary: The c.755_758delACAG (p.Asp252Valfs) variant in BRCA2 gene is a frame shift predicted to cause loss of normal protein function through either protein truncation or nonsense-mediated mRNA decay. The variant is absent from the large control population dataset of ExAC, but has been reported in multiple affected individuals and segregated with the disease in at several families (Gayther, 1999). In addition, multiple clinical diagnostic centers classify variant as Pathogenic. Taken together, the variant was classified as Pathogenic.

Consortium of Investigators of Modifiers of BRCA1/2 (CIMBA), c/o University of Cambridge
Classification: Pathogenic for Breast-ovarian cancer, familial, susceptibility to, 2. Last evaluated: 2015-10-02. Review status: criteria provided, single submitter. Criteria: CIMBA Mutation Classification guidelines May 2016. Collection method: clinical testing. Allele origin: germline. Not counted in ClinVar's aggregate classification.

Molecular Genetics Laboratory, University of Michigan
Classification: Pathogenic for Breast-ovarian cancer, familial, susceptibility to, 2. Last evaluated: 2014-11-03. Review status: criteria provided, single submitter. Criteria: ACMG Guidelines, 2015. Collection method: clinical testing. Allele origin: germline. Affected: yes. Not counted in ClinVar's aggregate classification.

Juno Genomics, Hangzhou Juno Genomics, Inc
Classification: Pathogenic for Familial cancer of breast; Breast-ovarian cancer, familial, susceptibility to, 2; Glioma susceptibility 3; Medulloblastoma; Pancreatic cancer, susceptibility to, 2; Familial prostate cancer; Fanconi anemia complementation group D1; Wilms tumor 1. Review status: criteria provided, single submitter. Criteria: ACMG Guidelines, 2015. Collection method: clinical testing. Allele origin: germline. Not counted in ClinVar's aggregate classification.
Comment: Null variant in a gene where loss of function (LOF) is a known mechanism of disease.;Novel missense change at an amino acid residue where a different missense change determined to be pathogenic has been seen before.

Laboratory for Genotyping Development, RIKEN
Classification: Pathogenic for Gastric cancer. Last evaluated: 2021-07-01. Review status: no assertion criteria provided. Collection method: research. Allele origin: germline. Not counted in ClinVar's aggregate classification.

Counsyl
Classification: Pathogenic for Breast-ovarian cancer, familial, susceptibility to, 2. Last evaluated: 2016-04-15. Review status: no assertion criteria provided. Collection method: clinical testing. Allele origin: unknown. Not counted in ClinVar's aggregate classification.

Research Molecular Genetics Laboratory, Women's College Hospital, University of Toronto
Classification: Pathogenic for Hereditary breast ovarian cancer syndrome. Last evaluated: 2014-01-31. Review status: no assertion criteria provided. Collection method: research. Allele origin: germline. Affected: yes. Study: The Canadian Open Genetics Repository (COGR). Not counted in ClinVar's aggregate classification.

Sharing Clinical Reports Project (SCRP)
Classification: Pathogenic for Breast-ovarian cancer, familial 2. Last evaluated: 2012-12-21. Review status: no assertion criteria provided. Collection method: clinical testing. Allele origin: germline. Not counted in ClinVar's aggregate classification.

Breast Cancer Information Core (BIC) (BRCA2)
Classification: Pathogenic for Breast-ovarian cancer, familial 2. Last evaluated: 2002-05-29. Review status: no assertion criteria provided. Collection method: clinical testing. Allele origin: germline, unknown. Affected: yes. Observed: 61 variant alleles. Not counted in ClinVar's aggregate classification.

Center for Precision Medicine, Meizhou People's Hospital
Classification: Pathogenic for Familial cancer of breast. Review status: no assertion criteria provided. Collection method: literature only. Allele origin: germline. Affected: yes. Not counted in ClinVar's aggregate classification.

Department of Pathology and Laboratory Medicine, Sinai Health System
Classification: Pathogenic for Malignant tumor of breast. Review status: no assertion criteria provided. Collection method: clinical testing. Allele origin: unknown. Affected: yes. Study: The Canadian Open Genetics Repository (COGR). Not counted in ClinVar's aggregate classification.
Comment: The BRCA2 p.Asp252Valfs*24 variant was identified in 9 of 13606 proband chromosomes (frequency: 0.0007) from individuals or families with breast, ovarian or prostate cancer and was not identified in 6508 control chromosomes from healthy individuals (Tavtigian 1996, Evans 2008, Machackova 2008, Borg 2010, Castro 2013, Castera 2014, Cao 2016, Park 2017). The variant was also identified in the following databases: dbSNP (ID: rs80359659) as â€šÃ„ÃºWith Pathogenic alleleâ€šÃ„Ã¹, ClinVar (classified as pathogenic by ENIGMA, GeneDx, Ambry Genetics, Invitae, SCRP, and nine other submitters), Genesight-COGR, LOVD 3.0 (3x), UMD-LSDB (27x as causal), BIC Database (62x), and ARUP Laboratories (as definitely pathogenic). The variant was not identified in Cosmic, MutDB or the Zhejiang University Database. The variant was not identified in the following control databases: the 1000 Genomes Project, the NHLBI GO Exome Sequencing Project, the Exome Aggregation Consortium (August 8th 2016), or the Genome Aggregation Database (Feb 27, 2017). The c.755_758del variant is predicted to cause a frameshift, which alters the protein's amino acid sequence beginning at codon 252 and leads to a premature stop codon 20 codons downstream. This alteration is then predicted to result in a truncated or absent protein and loss of function. Loss of function variants of the BRCA2 gene are an established mechanism of disease in hereditary breast and ovarian cancer and is the type of variant expected to cause the disorder. In summary, based on the above information, this variant meets our laboratoryâ€šÃ„Ã´s criteria to be classified as pathogenic.

Literature cited by the submitters: PubMed 20104584 (cited by 8 submitters); PubMed 8589730 (cited by 6 submitters); PubMed 17636422 (cited by 6 submitters); PubMed 18489799 (cited by 6 submitters); PubMed 23569316 (cited by 8 submitters); PubMed 24549055 (cited by 3 submitters); PubMed 29446198 (cited by Center for Genomic Medicine, Rigshospitalet, Copenhagen University Hospital and Sema4); PubMed 26852015 (cited by 4 submitters); PubMed 28205045 (cited by 5 submitters); PubMed 9042907 (cited by 3 submitters); PubMed 9585613 (cited by 3 submitters); PubMed 10359546 (cited by All of Us Research Program, National Institutes of Health and Color Diagnostics, LLC DBA Color Health); PubMed 12698193 (cited by 3 submitters); PubMed 16170354 (cited by All of Us Research Program, National Institutes of Health and Color Diagnostics, LLC DBA Color Health); PubMed 16931905 (cited by All of Us Research Program, National Institutes of Health and Color Diagnostics, LLC DBA Color Health); PubMed 22762150 (cited by 3 submitters); PubMed 26556299 (cited by 3 submitters); PubMed 29566657 (cited by 4 submitters); PubMed 30287823 (cited by All of Us Research Program, National Institutes of Health and Color Diagnostics, LLC DBA Color Health); PubMed 33471991 (cited by All of Us Research Program, National Institutes of Health and Color Diagnostics, LLC DBA Color Health); PubMed 25863477 (cited by Quest Diagnostics Nichols Institute San Juan Capistrano and Women's Health and Genetics/Laboratory Corporation of America, LabCorp); PubMed 21570850 (cited by Quest Diagnostics Nichols Institute San Juan Capistrano); PubMed 35918668 (cited by Quest Diagnostics Nichols Institute San Juan Capistrano); PubMed 34399810 (cited by Quest Diagnostics Nichols Institute San Juan Capistrano); PubMed 32853339 (cited by Quest Diagnostics Nichols Institute San Juan Capistrano); PubMed 36988593 (cited by Quest Diagnostics Nichols Institute San Juan Capistrano and Laboratory for Genotyping Development, RIKEN); PubMed 26295337 (cited by Quest Diagnostics Nichols Institute San Juan Capistrano); PubMed 28111427 (cited by Laboratory for Molecular Medicine, Mass General Brigham Personalized Medicine).